The following is an entry in ClinVar:

ClinVar aggregate classification (germline): Uncertain significance. Review status: criteria provided, multiple submitters, no conflicts (2 of 4 stars). 2 submissions from 2 submitters: Uncertain significance (2). Last evaluated 2024-10-23.

Conditions:
Hereditary pancreatitis (PCTT). Also called: PRSS1-Related Hereditary Pancreatitis; Hereditary chronic pancreatitis. Identifiers: Orphanet 676, MedGen C0238339, MONDO:0008185, OMIM 167800.

gnomAD v4.1: 1 of 1,613,914 alleles (0.000062%); highest among the groups gnomAD compares: Non-Finnish European, 0.000085%; no homozygotes.

Submissions (2):

Ambry Genetics
Classification: Uncertain significance for Hereditary pancreatitis. Last evaluated: 2024-10-23. Review status: criteria provided, single submitter. Criteria: Ambry Variant Classification Scheme 2023. Collection method: clinical testing. Allele origin: germline.
Comment: The p.G60V variant (also known as c.179G>T), located in coding exon 3 of the CPA1 gene, results from a G to T substitution at nucleotide position 179. The glycine at codon 60 is replaced by valine, an amino acid with dissimilar properties. This amino acid position is conserved. In addition, this alteration is predicted to be tolerated by in silico analysis. Based on the available evidence, the clinical significance of this variant remains unclear.

Labcorp Genetics (formerly Invitae), Labcorp
Classification: Uncertain significance. Last evaluated: 2022-08-21. Review status: criteria provided, single submitter. Criteria: Invitae Variant Classification Sherloc (09022015). Collection method: clinical testing. Allele origin: germline.
Comment: In summary, the available evidence is currently insufficient to determine the role of this variant in disease. Therefore, it has been classified as a Variant of Uncertain Significance. Algorithms developed to predict the effect of missense changes on protein structure and function (SIFT, PolyPhen-2, Align-GVGD) all suggest that this variant is likely to be tolerated. This variant has not been reported in the literature in individuals affected with CPA1-related conditions. This variant is not present in population databases (gnomAD no frequency). This sequence change replaces glycine, which is neutral and non-polar, with valine, which is neutral and non-polar, at codon 60 of the CPA1 protein (p.Gly60Val).

NM_001868.4(CPA1):c.179G>T (p.Gly60Val)

Gene: CPA1 (carboxypeptidase A1; plus strand). Cytogenetic location: 7q32.2.
Variant type: single nucleotide variant.
Coding change: c.179G>T on transcript NM_001868.4 (MANE Select); coding-DNA position 179, G replaced by T.
Protein change: p.Gly60Val; replaces glycine 60 with valine.
Molecular consequence: missense variant.
Genome position (GRCh38, 1-based): chr7:130,381,661, G>T. VCF-style: chr7-130381661-G-T. GRCh37 (hg19) VCF-style: chr7-130021502-G-T.
Other names: c.179G>T (NM_001868.2); short protein forms G60V.
Identifiers: ClinVar variation 1935009 (VCV001935009.6), dbSNP rs374570775, ClinGen allele CA369279654.